The following is an entry in ClinVar:

ClinVar aggregate classification (germline): Uncertain significance (1 of 4 stars; one submission).

Allele frequency attached by ClinVar (database versions not stated): gnomAD 0.00001; TOPMed 0.00001.
gnomAD v4.1: 11 of 1,565,514 alleles (0.0007%); highest among the groups gnomAD compares: Non-Finnish European, 0.00087%; no homozygotes.

Submission:

Labcorp Genetics (formerly Invitae), Labcorp
Classification: Uncertain significance. Last evaluated: 2023-01-28. Review status: criteria provided, single submitter. Criteria: Invitae Variant Classification Sherloc (09022015). Collection method: clinical testing. Allele origin: germline.
Comment: This sequence change replaces serine, which is neutral and polar, with leucine, which is neutral and non-polar, at codon 684 of the COL9A3 protein (p.Ser684Leu). This variant is present in population databases (no rsID available, gnomAD 0.01%). This variant has not been reported in the literature in individuals affected with COL9A3-related conditions. Advanced modeling of protein sequence and biophysical properties (such as structural, functional, and spatial information, amino acid conservation, physicochemical variation, residue mobility, and thermodynamic stability) performed at Invitae indicates that this missense variant is not expected to disrupt COL9A3 protein function. In summary, the available evidence is currently insufficient to determine the role of this variant in disease. Therefore, it has been classified as a Variant of Uncertain Significance.

NM_001853.4(COL9A3):c.2051C>T (p.Ser684Leu)

Gene: COL9A3 (collagen type IX alpha 3 chain; plus strand). Cytogenetic location: 20q13.33.
Variant type: single nucleotide variant.
Coding change: c.2051C>T on transcript NM_001853.4 (MANE Select); coding-DNA position 2051, C replaced by T.
Protein change: p.Ser684Leu; replaces serine 684 with leucine.
Molecular consequence: missense variant.
Genome position (GRCh38, 1-based): chr20:62,840,728, C>T. VCF-style: chr20-62840728-C-T. GRCh37 (hg19) VCF-style: chr20-61472080-C-T.
Other names: short protein forms S684L.
Identifiers: ClinVar variation 1981461 (VCV001981461.4), dbSNP rs1168056863, ClinGen allele CA409602042.